The following is an entry in ClinVar:

ClinVar aggregate classification (germline): Uncertain significance (1 of 4 stars; one submission).

Submission:

Labcorp Genetics (formerly Invitae), Labcorp
Classification: Uncertain significance. Last evaluated: 2022-02-01. Review status: criteria provided, single submitter. Criteria: Invitae Variant Classification Sherloc (09022015). Collection method: clinical testing. Allele origin: germline.
Comment: This variant occurs in the SNORD118 gene, which encodes an RNA molecule that does not result in a protein product. This variant is not present in population databases (gnomAD no frequency). In summary, the available evidence is currently insufficient to determine the role of this variant in disease. Therefore, it has been classified as a Variant of Uncertain Significance. This variant disrupts the n.82A nucleotide in the SNORD118 gene. Other variant(s) that disrupt this nucleotide have been determined to be pathogenic (PMID: 27571260, 29970281, 29996189). This suggests that this nucleotide is clinically significant, and that variants that disrupt this position are likely to be disease-causing. This variant has not been reported in the literature in individuals affected with SNORD118-related conditions.

Literature cited by the submitters: PubMed 27571260; PubMed 29970281; PubMed 29996189.

NR_033294.2(SNORD118):n.82A>T

Genes: SNORD118 (small nucleolar RNA, C/D box 118; minus strand), TMEM107 (transmembrane protein 107; minus strand). Cytogenetic location: 17p13.1.
Variant type: single nucleotide variant.
Molecular consequence: non-coding transcript variant (on NR_033294.2). On other transcripts: 3 prime UTR variant (5).
Genome position: GRCh38 VCF-style: chr17-8173507-T-A. GRCh37 (hg19) VCF-style: chr17-8076825-T-A.
Other names: c.*696A>T (NM_001351278.2, NM_001351279.2, NM_001351280.2 and 2 more transcripts).
Identifiers: ClinVar variation 2041707 (VCV002041707.4), dbSNP rs779456932, ClinGen allele CA497957050.